The following is an entry in ClinVar:

NM_153252.5(BRWD3):c.4460C>G (p.Ser1487Cys)

Gene: BRWD3 (bromodomain and WD repeat domain containing 3; minus strand). Cytogenetic location: Xq21.1.
Variant type: single nucleotide variant.
Coding change: c.4460C>G on transcript NM_153252.5 (MANE Select); coding-DNA position 4460, C replaced by G.
Protein change: p.Ser1487Cys; replaces serine 1487 with cysteine.
Molecular consequence: missense variant.
Genome position (GRCh38, 1-based): chrX:80,682,032, G>C on the plus strand (C>G on the coding strand, the complement: BRWD3 is on the minus strand). VCF-style: chrX-80682032-G-C. GRCh37 (hg19) VCF-style: chrX-79937531-G-C.
Other names: c.4310C>G, p.Ser1437Cys (NM_001441339.1); short protein forms S1437C, S1487C.
Identifiers: ClinVar variation 4801120 (VCV004801120.1).
Genomic context (GRCh38, chrX:80,682,032, plus strand): 5'-CACCAAAAACAAAAGACATATTTACCAGGAGATGAGAAAGGAGAGCTAGTCCTGGCATGA[G>C]ATACTGAGGTATTCTGGTCATTTTTAGGCTGCAACTTCATTTGTTTCTGCTTCCCTTTTG-3'
Protein context (NP_694984.5, residues 1477-1497): QPKNDQNTSV[Ser1487Cys]HARTSSPFSS

ClinVar aggregate classification (germline): Uncertain significance (1 of 4 stars; one submission).

Submission:

Labcorp Genetics (formerly Invitae), Labcorp
Classification: Uncertain significance. Last evaluated: 2025-06-17. Review status: criteria provided, single submitter. Criteria: Invitae Variant Classification Sherloc (09022015). Collection method: clinical testing. Allele origin: germline.
Comment: This sequence change replaces serine, which is neutral and polar, with cysteine, which is neutral and slightly polar, at codon 1487 of the BRWD3 protein (p.Ser1487Cys). This variant is not present in population databases (gnomAD no frequency). This variant has not been reported in the literature in individuals affected with BRWD3-related conditions. Invitae Evidence Modeling of protein sequence and biophysical properties (such as structural, functional, and spatial information, amino acid conservation, physicochemical variation, residue mobility, and thermodynamic stability) indicates that this missense variant is not expected to disrupt BRWD3 protein function with a negative predictive value of 95%. In summary, the available evidence is currently insufficient to determine the role of this variant in disease. Therefore, it has been classified as a Variant of Uncertain Significance.